The following is an entry in ClinVar:

ClinVar aggregate classification (germline): Likely benign (1 of 4 stars; one submission).

Allele frequency attached by ClinVar (database versions not stated): 1000 Genomes Project 30x 0.00031; 1000 Genomes Project 0.00040; TOPMed 0.00067; ESP Exome Variant Server 0.00092; gnomAD 0.00121.
gnomAD v4.1: 1,732 of 1,613,422 alleles (0.11%); highest among the groups gnomAD compares: Non-Finnish European, 0.11%; 5 homozygotes.

Submission:

CeGaT Center for Human Genetics Tuebingen
Classification: Likely benign. Last evaluated: 2022-09-01. Review status: criteria provided, single submitter. Criteria: CeGaT Center For Human Genetics Tuebingen Variant Classification Criteria Version 2. Collection method: clinical testing. Allele origin: germline. Affected: yes. Observed: 1 variant allele.
Comment: STAB1: BP4, BP7

NM_015136.3(STAB1):c.3294C>T (p.Ser1098=)

Gene: STAB1 (stabilin 1; plus strand). Cytogenetic location: 3p21.1.
Variant type: single nucleotide variant.
Coding change: c.3294C>T on transcript NM_015136.3 (MANE Select); coding-DNA position 3294, C replaced by T.
Protein change: p.Ser1098=; no amino-acid change (serine 1098 retained).
Molecular consequence: synonymous variant.
Genome position (GRCh38, 1-based): chr3:52,513,740, C>T. VCF-style: chr3-52513740-C-T. GRCh37 (hg19) VCF-style: chr3-52547756-C-T.
Identifiers: ClinVar variation 2653892 (VCV002653892.24), dbSNP rs140431040, ClinGen allele CA2441283.
Genomic context (GRCh38, chr3:52,513,740, plus strand): 5'-TGCCCACCTGTGGCTAAGCTCTGCTGCTGCCTTCCAGAGGGTCTGGGTGCAGAATGCCAG[C>T]GTGGATGTGGCTGACCTCCTTGCCACCAACGGTGTCCTACACATCCTCAGCCAGGTACAG-3'
Protein context (NP_055951.2, residues 1088-1108): ISGRVWVQNA[Ser1098=]VDVADLLATN